The following is an entry in ClinVar:

ClinVar aggregate classification (germline): Pathogenic (1 of 4 stars; one submission).

Conditions:
Charcot-Marie-Tooth disease type 4. Also called: Charcot-Marie-Tooth disease, type IV; Charcot-Marie-Tooth, Type 4. Identifiers: Orphanet 64749, MedGen C4082197, MONDO:0018995.

Submission:

Labcorp Genetics (formerly Invitae), Labcorp
Classification: Pathogenic for Charcot-Marie-Tooth disease type 4. Last evaluated: 2025-03-04. Review status: criteria provided, single submitter. Criteria: Invitae Variant Classification Sherloc (09022015). Collection method: clinical testing. Allele origin: germline.
Comment: This sequence change creates a premature translational stop signal (p.Thr39Asnfs*8) in the SBF2 gene. It is expected to result in an absent or disrupted protein product. Loss-of-function variants in SBF2 are known to be pathogenic (PMID: 12687498, 25873783). This variant is not present in population databases (gnomAD no frequency). This variant has not been reported in the literature in individuals affected with SBF2-related conditions. For these reasons, this variant has been classified as Pathogenic.

Literature cited by the submitters: PubMed 12687498; PubMed 25873783.

NM_030962.4(SBF2):c.115dup (p.Thr39fs)

Gene: SBF2 (SET binding factor 2; minus strand). Cytogenetic location: 11p15.4.
Variant type: Duplication.
Coding change: c.115dup on transcript NM_030962.4 (MANE Select); coding-DNA position 115, one base duplicated (A; older notation c.115dupA).
Protein change: p.Thr39fs; shifts the reading frame from threonine 39.
Molecular consequence: frameshift variant.
Genome position (GRCh38, 1-based): chr11:10,193,928, T duplicated on the plus strand (A on the coding strand, the reverse complement: SBF2 is on the minus strand). VCF-style (leftmost placement, unchanged base first): chr11-10193927-G-GT. GRCh37 (hg19) VCF-style: chr11-10215474-G-GT.
Other names: c.115dup, p.Thr39fs (NM_001386339.1, NM_001386342.1); c.151dup, p.Thr51fs (NM_001424318.1, NM_001425069.1, NM_001425070.1); short protein forms T39fs, T51fs.
Identifiers: ClinVar variation 4806130 (VCV004806130.1).